The following is an entry in ClinVar:

NM_001286577.2(C2CD3):c.1851G>T (p.Lys617Asn)

Gene: C2CD3 (C2 domain containing 3 centriole elongation regulator; minus strand). Cytogenetic location: 11q13.4.
Variant type: single nucleotide variant.
Coding change: c.1851G>T on transcript NM_001286577.2 (MANE Select); coding-DNA position 1851, G replaced by T.
Protein change: p.Lys617Asn; replaces lysine 617 with asparagine.
Molecular consequence: missense variant.
Genome position (GRCh38, 1-based): chr11:74,109,145, C>A on the plus strand (G>T on the coding strand, the complement: C2CD3 is on the minus strand). VCF-style: chr11-74109145-C-A. GRCh37 (hg19) VCF-style: chr11-73820190-C-A.
Other names: c.1851G>T, p.Lys617Asn (NM_015531.6); short protein forms K617N.
Identifiers: ClinVar variation 3607335 (VCV003607335.1).

ClinVar aggregate classification (germline): Uncertain significance (1 of 4 stars; one submission).

gnomAD v4.1: 6 of 1,559,958 alleles (0.00038%); highest among the groups gnomAD compares: African/African-American, 0.0083%; no homozygotes.

Submission:

Labcorp Genetics (formerly Invitae), Labcorp
Classification: Uncertain significance. Last evaluated: 2024-07-23. Review status: criteria provided, single submitter. Criteria: Invitae Variant Classification Sherloc (09022015). Collection method: clinical testing. Allele origin: germline.
Comment: This sequence change replaces lysine, which is basic and polar, with asparagine, which is neutral and polar, at codon 617 of the C2CD3 protein (p.Lys617Asn). This variant is present in population databases (rs145991766, gnomAD 0.02%). This variant has not been reported in the literature in individuals affected with C2CD3-related conditions. Advanced modeling of protein sequence and biophysical properties (such as structural, functional, and spatial information, amino acid conservation, physicochemical variation, residue mobility, and thermodynamic stability) performed at Invitae indicates that this missense variant is not expected to disrupt C2CD3 protein function with a negative predictive value of 80%. In summary, the available evidence is currently insufficient to determine the role of this variant in disease. Therefore, it has been classified as a Variant of Uncertain Significance.